The following is an entry in ClinVar:

ClinVar aggregate classification (germline): Conflicting classifications of pathogenicity. Review status: criteria provided, conflicting classifications (1 of 4 stars). 7 submissions from 7 submitters: Uncertain significance (6); Likely benign (1). Last evaluated 2024-11-09.

Conditions:
Hereditary cancer-predisposing syndrome. Also called: Tumor predisposition; Hereditary Cancer Syndrome; Neoplastic Syndromes, Hereditary; Hereditary neoplastic syndrome. Identifiers: Orphanet 140162, MedGen C0027672, MeSH D009386, MONDO:0015356.
Hereditary breast ovarian cancer syndrome. Also called: Hereditary breast and/or ovarian cancer syndrome; BRCA1- and BRCA2-Associated Hereditary Breast and Ovarian Cancer; Hereditary breast and ovarian cancer; Hereditary breast and ovarian cancer syndrome (HBOC); Breast and ovarian cancer; Hereditary breast and ovarian cancer syndrome. Identifiers: Orphanet 145, MedGen C0677776, MeSH D061325, MONDO:0003582. Disease mechanism: loss of function.
Breast-ovarian cancer, familial, susceptibility to, 2 (BROVCA2). Also called: BRCA2 Hereditary Breast and Ovarian Cancer. Identifiers: Orphanet 145, MedGen C2675520, MONDO:0012933, OMIM 612555. Disease mechanism: loss of function.

Submissions (7):

Labcorp Genetics (formerly Invitae), Labcorp
Classification: Uncertain significance for Hereditary breast ovarian cancer syndrome. Last evaluated: 2024-11-09. Review status: criteria provided, single submitter. Criteria: Invitae Variant Classification Sherloc (09022015). Collection method: clinical testing. Allele origin: germline.
Comment: This sequence change replaces alanine, which is neutral and non-polar, with threonine, which is neutral and polar, at codon 2306 of the BRCA2 protein (p.Ala2306Thr). This variant is not present in population databases (gnomAD no frequency). This variant has not been reported in the literature in individuals affected with BRCA2-related conditions. ClinVar contains an entry for this variant (Variation ID: 216253). Invitae Evidence Modeling of protein sequence and biophysical properties (such as structural, functional, and spatial information, amino acid conservation, physicochemical variation, residue mobility, and thermodynamic stability) indicates that this missense variant is not expected to disrupt BRCA2 protein function with a negative predictive value of 95%. In summary, the available evidence is currently insufficient to determine the role of this variant in disease. Therefore, it has been classified as a Variant of Uncertain Significance.

Ambry Genetics
Classification: Uncertain significance for Hereditary cancer-predisposing syndrome. Last evaluated: 2024-05-13. Review status: criteria provided, single submitter. Criteria: Ambry Variant Classification Scheme 2023. Collection method: clinical testing. Allele origin: germline.
Comment: The p.A2306T variant (also known as c.6916G>A), located in coding exon 11 of the BRCA2 gene, results from a G to A substitution at nucleotide position 6916. The alanine at codon 2306 is replaced by threonine, an amino acid with similar properties. This amino acid position is not well conserved in available vertebrate species. In addition, this alteration is predicted to be tolerated by in silico analysis. Based on the available evidence, the clinical significance of this variant remains unclear.

Quest Diagnostics Nichols Institute San Juan Capistrano
Classification: Uncertain significance. Last evaluated: 2024-02-21. Review status: criteria provided, single submitter. Criteria: Quest Diagnostics criteria. Collection method: clinical testing. Allele origin: unknown.
Comment: The BRCA2 c.6916G>A (p.Ala2306Thr) variant has been reported in a large breast cancer incidence study (PMID: 38153744 (2023)). This variant has not been reported in large, multi-ethnic general populations (Genome Aggregation Database). Analysis of this variant using bioinformatics tools for the prediction of the effect of amino acid changes on protein structure and function yielded predictions that this variant is benign. Based on the available information, we are unable to determine the clinical significance of this variant.

Myriad Genetics, Inc.
Classification: Likely benign for Breast-ovarian cancer, familial, susceptibility to, 2. Last evaluated: 2024-02-02. Review status: criteria provided, single submitter. Criteria: Myriad Autosomal Dominant, Autosomal Recessive and X-Linked Classification Criteria (2023). Collection method: clinical testing. Allele origin: unknown.
Comment: This variant is considered likely benign. This variant is strongly associated with less severe personal and family histories of cancer, typical for individuals without pathogenic variants in this gene [PMID: 25085752].

All of Us Research Program, National Institutes of Health
Classification: Uncertain significance for Breast-ovarian cancer, familial, susceptibility to, 2. Last evaluated: 2023-07-10. Review status: criteria provided, single submitter. Criteria: ACMG Guidelines, 2015. Collection method: clinical testing. Allele origin: germline. Inheritance: Autosomal dominant inheritance. Observed: 1 variant allele, 1 heterozygote.
Comment: This missense variant replaces alanine with threonine at codon 2306 of the BRCA2 protein. Computational prediction suggests that this variant may not impact protein structure and function (internally defined REVEL score threshold <= 0.5, PMID: 27666373). To our knowledge, functional studies have not been reported for this variant. This variant has not been reported in individuals affected with BRCA2-related disorders in the literature. This variant has not been identified in the general population by the Genome Aggregation Database (gnomAD). The available evidence is insufficient to determine the role of this variant in disease conclusively. Therefore, this variant is classified as a Variant of Uncertain Significance.

This study involves interpretation of variants in research participants for the purpose of population health screening. Participant phenotype was not available at the time of variant classification. Additional details can be found in publication PMID: 35346344, PMCID: PMC8962531

GeneDx
Classification: Uncertain significance. Last evaluated: 2019-06-25. Review status: criteria provided, single submitter. Criteria: GeneDx Variant Classification Process June 2021. Collection method: clinical testing. Allele origin: germline. Affected: yes.
Comment: Not observed in large population cohorts (Lek et al., 2016); In silico analysis, which includes protein predictors and evolutionary conservation, supports that this variant does not alter protein structure/function; Has not been previously published as pathogenic or benign to our knowledge

Women's Health and Genetics/Laboratory Corporation of America, LabCorp
Classification: Uncertain significance. Last evaluated: 2016-01-14. Review status: criteria provided, single submitter. Criteria: LabCorp Variant Classification Summary - May 2015. Collection method: clinical testing. Allele origin: germline.

Literature cited by the submitters: PubMed 38153744 (cited by Quest Diagnostics Nichols Institute San Juan Capistrano); PubMed 25085752 (cited by Myriad Genetics, Inc.).

NM_000059.4(BRCA2):c.6916G>A (p.Ala2306Thr)

Gene: BRCA2 (BRCA2 DNA repair associated; plus strand). Cytogenetic location: 13q13.1.
Variant type: single nucleotide variant.
Coding change: c.6916G>A on transcript NM_000059.4 (MANE Select); coding-DNA position 6916, G replaced by A.
Protein change: p.Ala2306Thr; replaces alanine 2306 with threonine.
Molecular consequence: missense variant.
Genome position (GRCh38, 1-based): chr13:32,344,632, G>A. VCF-style: chr13-32344632-G-A. GRCh37 (hg19) VCF-style: chr13-32918769-G-A.
Other names: short protein forms A2306T.
Identifiers: ClinVar variation 216253 (VCV000216253.18), dbSNP rs730881550, ClinGen allele CA337848.